The following is an entry in ClinVar:

ClinVar aggregate classification (germline): Uncertain significance (1 of 4 stars; one submission).

Conditions:
Hereditary cancer-predisposing syndrome. Also called: Neoplastic Syndromes, Hereditary; Tumor predisposition; Hereditary Cancer Syndrome; Hereditary neoplastic syndrome. Identifiers: Orphanet 140162, MedGen C0027672, MeSH D009386, MONDO:0015356.

Submission:

Ambry Genetics
Classification: Uncertain significance for Hereditary cancer-predisposing syndrome. Last evaluated: 2026-01-18. Review status: criteria provided, single submitter. Criteria: Ambry Variant Classification Scheme 2023. Collection method: clinical testing. Allele origin: germline.
Comment: The p.A176T variant (also known as c.526G>A), located in coding exon 5 of the MITF gene, results from a G to A substitution at nucleotide position 526. The alanine at codon 176 is replaced by threonine, an amino acid with similar properties. This amino acid position is conserved. In addition, this alteration is predicted to be tolerated by in silico analysis. Based on the available evidence, the clinical significance of this variant remains unclear.

NM_001354604.2(MITF):c.847G>A (p.Ala283Thr)

Gene: MITF (melanocyte inducing transcription factor; plus strand). Cytogenetic location: 3p13.
Variant type: single nucleotide variant.
Coding change: c.847G>A on transcript NM_001354604.2 (MANE Select); coding-DNA position 847, G replaced by A.
Protein change: p.Ala283Thr; replaces alanine 283 with threonine.
Molecular consequence: missense variant.
Genome position (GRCh38, 1-based): chr3:69,949,135, G>A. VCF-style: chr3-69949135-G-A. GRCh37 (hg19) VCF-style: chr3-69998286-G-A.
Other names: c.844G>A, p.Ala282Thr (NM_001354605.2, NM_001354606.2, NM_006722.3); c.796G>A, p.Ala266Thr (NM_001354607.2); c.691G>A, p.Ala231Thr (NM_001354608.2, NM_001184967.2); c.526G>A, p.Ala176Thr (NM_198158.3, NM_000248.4); c.847G>A, p.Ala283Thr (NM_198159.3); c.799G>A, p.Ala267Thr (NM_198177.3); c.358G>A, p.Ala120Thr (NM_198178.3); short protein forms A176T, A266T, A282T, A120T, A231T, A267T, A283T.
Identifiers: ClinVar variation 4844238 (VCV004844238.1).